The following is an entry in ClinVar:

NM_206933.4(USH2A):c.11383C>T (p.Pro3795Ser)

Gene: USH2A (usherin; minus strand). Cytogenetic location: 1q41.
Variant type: single nucleotide variant.
Coding change: c.11383C>T on transcript NM_206933.4 (MANE Select); coding-DNA position 11383, C replaced by T.
Protein change: p.Pro3795Ser; replaces proline 3795 with serine.
Molecular consequence: missense variant.
Genome position (GRCh38, 1-based): chr1:215,758,601, G>A on the plus strand (C>T on the coding strand, the complement: USH2A is on the minus strand). VCF-style: chr1-215758601-G-A. GRCh37 (hg19) VCF-style: chr1-215931943-G-A.
Other names: short protein forms P3795S.
Identifiers: ClinVar variation 1010072 (VCV001010072.8), dbSNP rs1421953363, ClinGen allele CA344820435.

ClinVar aggregate classification (germline): Uncertain significance (1 of 4 stars; one submission).

Submission:

Labcorp Genetics (formerly Invitae), Labcorp
Classification: Uncertain significance. Last evaluated: 2022-02-05. Review status: criteria provided, single submitter. Criteria: Invitae Variant Classification Sherloc (09022015). Collection method: clinical testing. Allele origin: germline.
Comment: In summary, the available evidence is currently insufficient to determine the role of this variant in disease. Therefore, it has been classified as a Variant of Uncertain Significance. Algorithms developed to predict the effect of missense changes on protein structure and function output the following: SIFT: "Tolerated"; PolyPhen-2: "Benign"; Align-GVGD: "Class C0". The serine amino acid residue is found in multiple mammalian species, which suggests that this missense change does not adversely affect protein function. ClinVar contains an entry for this variant (Variation ID: 1010072). This variant has not been reported in the literature in individuals affected with USH2A-related conditions. This variant is not present in population databases (gnomAD no frequency). This sequence change replaces proline, which is neutral and non-polar, with serine, which is neutral and polar, at codon 3795 of the USH2A protein (p.Pro3795Ser).